The following is an entry in ClinVar:

NM_000213.5(ITGB4):c.5282_5302del (p.Ser1761_His1767del)

Genes: GALK1 (galactokinase 1; minus strand), ITGB4 (integrin subunit beta 4; plus strand). Cytogenetic location: 17q25.1.
Variant type: Deletion.
Coding change: c.5282_5302del on transcript NM_000213.5 (MANE Select); coding-DNA positions 5282 to 5302, 21 bases deleted (GCAGCATCACCACCACCCACA).
Protein change: p.Ser1761_His1767del.
Molecular consequence: inframe deletion. On other transcripts: intron variant (1).
Genome position (GRCh38, 1-based): chr17:75,757,263-75,757,283, GCAGCATCACCACCACCCACA deleted; deleting any 21 consecutive bases within chr17:75,757,260-75,757,283 gives the same sequence; the c. name uses the placement nearest the transcript's 3' end. VCF-style (leftmost placement, unchanged base first): chr17-75757259-TACAGCAGCATCACCACCACCC-T. GRCh37 (hg19) VCF-style: chr17-73753340-TACAGCAGCATCACCACCACCC-T.
Other names: c.5231_5251del, p.Ser1744_His1750del (NM_001005619.2); c.5072_5092del, p.Ser1691_His1697del (NM_001005731.3, NM_001321123.2); c.4922_4942del, p.Ser1641_His1647del (NM_001438834.1); c.*22+754_*22+774del (NM_001381985.1).
Identifiers: ClinVar variation 1649512 (VCV001649512.12), dbSNP rs756717128, ClinGen allele CA8770541.

ClinVar aggregate classification (germline): Benign/Likely benign. Review status: criteria provided, multiple submitters, no conflicts (2 of 4 stars). 3 submissions from 3 submitters: Benign (1); Likely benign (1). 1 of the submissions does not count toward it. Last evaluated 2026-09-01.

Conditions:
ITGB4-related disorder. Also called: ITGB4-related condition.

Submissions (3):

CeGaT Center for Human Genetics Tuebingen
Classification: Likely benign. Last evaluated: 2026-09-01. Review status: criteria provided, single submitter. Criteria: CeGaT Center For Human Genetics Tuebingen Variant Classification Criteria Version 2. Collection method: clinical testing. Allele origin: germline. Affected: yes. Observed: 1 variant allele.
Comment: ITGB4: PM4, BS1, BS2

Labcorp Genetics (formerly Invitae), Labcorp
Classification: Benign. Last evaluated: 2026-02-03. Review status: criteria provided, single submitter. Criteria: Invitae Variant Classification Sherloc (09022015). Collection method: clinical testing. Allele origin: germline.

PreventionGenetics, part of Exact Sciences
Classification: Benign for ITGB4-related condition. Last evaluated: 2019-07-22. Review status: no assertion criteria provided. Collection method: clinical testing. Allele origin: germline. Not counted in ClinVar's aggregate classification.
Comment: This variant is classified as benign based on ACMG/AMP sequence variant interpretation guidelines (Richards et al. 2015 PMID: 25741868, with internal and published modifications).